The following is an entry in ClinVar:

NM_144997.7(FLCN):c.594_596del (p.Asp198del)

Gene: FLCN (folliculin; minus strand). Cytogenetic location: 17p11.2.
Variant type: Deletion.
Coding change: c.594_596del on transcript NM_144997.7 (MANE Select); coding-DNA positions 594 to 596, 3 bases deleted (TGA; older notation c.594_596delTGA).
Protein change: p.Asp198del; deletes aspartic acid 198.
Molecular consequence: inframe deletion.
Genome position (GRCh38, 1-based): chr17:17,223,944-17,223,946, TCA deleted on the plus strand (TGA on the coding strand, the reverse complement: FLCN is on the minus strand); deleting any 3 consecutive bases within chr17:17,223,944-17,223,948 gives the same sequence; the c. name uses the placement nearest the transcript's 3' end. VCF-style (leftmost placement, unchanged base first): chr17-17223943-CTCA-C. GRCh37 (hg19) VCF-style: chr17-17127257-CTCA-C.
Other names: c.594_596del (LRG_325t1, NM_144997.5); c.648_650del, p.Asp216del (NM_001353229.2); c.594_596del, p.Asp198del (NM_001353230.2, NM_001353231.2, NM_144606.7); short protein forms D198del, D216del.
Identifiers: ClinVar variation 618656 (VCV000618656.16), dbSNP rs1567819459, ClinGen allele CA913190958.

ClinVar aggregate classification (germline): Uncertain significance. Review status: criteria provided, multiple submitters, no conflicts (2 of 4 stars). 3 submissions from 3 submitters: Uncertain significance (3). Last evaluated 2024-12-05.

Conditions:
Hereditary cancer-predisposing syndrome. Also called: Tumor predisposition; Neoplastic Syndromes, Hereditary; Hereditary Cancer Syndrome; Hereditary neoplastic syndrome. Identifiers: Orphanet 140162, MedGen C0027672, MeSH D009386, MONDO:0015356.
Birt-Hogg-Dube syndrome. Also called: Birt Hogg Dubé syndrome. Identifiers: Orphanet 122, MedGen C0346010, MONDO:0800444.

Submissions (3):

Labcorp Genetics (formerly Invitae), Labcorp
Classification: Uncertain significance for Birt-Hogg-Dube syndrome. Last evaluated: 2024-12-05. Review status: criteria provided, single submitter. Criteria: Invitae Variant Classification Sherloc (09022015). Collection method: clinical testing. Allele origin: germline.
Comment: This variant, c.594_596del, results in the deletion of 1 amino acid(s) of the FLCN protein (p.Asp198del), but otherwise preserves the integrity of the reading frame. This variant is not present in population databases (gnomAD no frequency). This variant has not been reported in the literature in individuals affected with FLCN-related conditions. ClinVar contains an entry for this variant (Variation ID: 618656). Experimental studies and prediction algorithms are not available or were not evaluated, and the functional significance of this variant is currently unknown. In summary, the available evidence is currently insufficient to determine the role of this variant in disease. Therefore, it has been classified as a Variant of Uncertain Significance.

Ambry Genetics
Classification: Uncertain significance for Hereditary cancer-predisposing syndrome. Last evaluated: 2019-03-06. Review status: criteria provided, single submitter. Criteria: Ambry Variant Classification Scheme 2023. Collection method: clinical testing. Allele origin: germline.
Comment: The c.594_596delTGA variant (also known as p.D198del) is located in coding exon 3 of the FLCN gene. This variant results from an in-frame TGA deletion at nucleotide positions 594 to 596. This results in the in-frame deletion of an aspartic acid at codon 198. This alteration has been observed in at least one individual who has a personal or family history that is consistent with Birt-Hogg-Dub&eacute; This amino acid position is not well conserved in available vertebrate species. Since supporting evidence is limited at this time, the clinical significance of this alteration remains unclear.

ARUP Laboratories, Molecular Genetics and Genomics, ARUP Laboratories
Classification: Uncertain significance. Last evaluated: 2017-07-13. Review status: criteria provided, single submitter. Criteria: ARUP Molecular Germline Variant Investigation Process. Collection method: clinical testing. Allele origin: germline.